The following is an entry in ClinVar:

ClinVar aggregate classification (germline): Uncertain significance (1 of 4 stars; one submission).

Submission:

Labcorp Genetics (formerly Invitae), Labcorp
Classification: Uncertain significance. Last evaluated: 2020-10-02. Review status: criteria provided, single submitter. Criteria: Invitae Variant Classification Sherloc (09022015). Collection method: clinical testing. Allele origin: germline.
Comment: In summary, the available evidence is currently insufficient to determine the role of this variant in disease. Therefore, it has been classified as a Variant of Uncertain Significance. This variant disrupts the p.Arg45 amino acid residue in RP1L1. Other variant(s) that disrupt this residue have been determined to be pathogenic (PMID: 23281133, 20826268). This suggests that this residue is clinically significant, and that variants that disrupt this residue are likely to be disease-causing. Advanced modeling of protein sequence and biophysical properties (such as structural, functional, and spatial information, amino acid conservation, physicochemical variation, residue mobility, and thermodynamic stability) performed at Invitae indicates that this missense variant is not expected to disrupt RP1L1 protein function. This variant has not been reported in the literature in individuals with RP1L1-related conditions. This variant is not present in population databases (ExAC no frequency). This sequence change replaces arginine with glycine at codon 45 of the RP1L1 protein (p.Arg45Gly). The arginine residue is weakly conserved and there is a moderate physicochemical difference between arginine and glycine.

Literature cited by the submitters: PubMed 23281133; PubMed 20826268.

NM_178857.6(RP1L1):c.133C>G (p.Arg45Gly)

Gene: RP1L1 (RP1 like 1). Cytogenetic location: 8p23.1.
Variant type: single nucleotide variant.
Coding change: c.133C>G on transcript NM_178857.6 (MANE Select); coding-DNA position 133, C replaced by G.
Protein change: p.Arg45Gly; replaces arginine 45 with glycine.
Molecular consequence: missense variant.
Genome position (GRCh38, 1-based): chr8:10,623,069, G>C on the plus strand (C>G on the coding strand, the complement: RP1L1 is on the minus strand). VCF-style: chr8-10623069-G-C. GRCh37 (hg19) VCF-style: chr8-10480579-G-C.
Other names: short protein forms R45G.
Identifiers: ClinVar variation 999223 (VCV000999223.8), dbSNP rs267607017, ClinGen allele CA370301046.